The following is an entry in ClinVar:

NM_032043.3(BRIP1):c.2725C>A (p.Leu909Ile)

Gene: BRIP1 (BRCA1 interacting DNA helicase 1; minus strand). Cytogenetic location: 17q23.2.
Variant type: single nucleotide variant.
Coding change: c.2725C>A on transcript NM_032043.3 (MANE Select); coding-DNA position 2725, C replaced by A.
Protein change: p.Leu909Ile; replaces leucine 909 with isoleucine.
Molecular consequence: missense variant.
Genome position (GRCh38, 1-based): chr17:61,686,016, G>T on the plus strand (C>A on the coding strand, the complement: BRIP1 is on the minus strand). VCF-style: chr17-61686016-G-T. GRCh37 (hg19) VCF-style: chr17-59763377-G-T.
Other names: short protein forms L909I.
Identifiers: ClinVar variation 2945912 (VCV002945912.3), dbSNP rs587781853, ClinGen allele CA400481658.
Genomic context (GRCh38, chr17:61,686,016, plus strand): 5'-GATGACTTGCTGCTTCCAGTAAATAAGGTGAGGTACTGTACTTTAAAGAGGTCACTTCAA[G>T]TGTAGACTCATTGTCCTGTATATTGGTTCTGTCCTTTATGGATACATTAAGAACTTTTTG-3'
Protein context (NP_114432.2, residues 899-919): RTNIQDNEST[Leu909Ile]EVTSLKYSTS

ClinVar aggregate classification (germline): Uncertain significance (1 of 4 stars; one submission).

Conditions:
Fanconi anemia complementation group J. Also called: BRIP1-Related Fanconi Anemia. Identifiers: Orphanet 84, MedGen C1836860, MONDO:0012187, OMIM 609054.
Familial cancer of breast. Also called: BREAST CANCER, FAMILIAL; Hereditary breast cancer; hereditary breast carcinoma. Identifiers: Orphanet 227535, MedGen C0346153, MONDO:0016419, OMIM 114480. Disease mechanism: loss of function.

Submission:

Labcorp Genetics (formerly Invitae), Labcorp
Classification: Uncertain significance for Familial cancer of breast; Fanconi anemia complementation group J. Last evaluated: 2023-03-28. Review status: criteria provided, single submitter. Criteria: Invitae Variant Classification Sherloc (09022015). Collection method: clinical testing. Allele origin: germline.
Comment: This sequence change replaces leucine, which is neutral and non-polar, with isoleucine, which is neutral and non-polar, at codon 909 of the BRIP1 protein (p.Leu909Ile). This variant is not present in population databases (gnomAD no frequency). This variant has not been reported in the literature in individuals affected with BRIP1-related conditions. Advanced modeling of protein sequence and biophysical properties (such as structural, functional, and spatial information, amino acid conservation, physicochemical variation, residue mobility, and thermodynamic stability) performed at Invitae indicates that this missense variant is not expected to disrupt BRIP1 protein function. In summary, the available evidence is currently insufficient to determine the role of this variant in disease. Therefore, it has been classified as a Variant of Uncertain Significance.